The following is an entry in ClinVar:

NM_001184.4(ATR):c.878A>G (p.Glu293Gly)

Gene: ATR (ATR checkpoint kinase; minus strand). Cytogenetic location: 3q23.
Variant type: single nucleotide variant.
Coding change: c.878A>G on transcript NM_001184.4 (MANE Select); coding-DNA position 878, A replaced by G.
Protein change: p.Glu293Gly; replaces glutamic acid 293 with glycine.
Molecular consequence: missense variant.
Genome position (GRCh38, 1-based): chr3:142,562,524, T>C on the plus strand (A>G on the coding strand, the complement: ATR is on the minus strand). VCF-style: chr3-142562524-T-C. GRCh37 (hg19) VCF-style: chr3-142281366-T-C.
Other names: c.878A>G, p.Glu293Gly (NM_001354579.2); short protein forms E293G.
Identifiers: ClinVar variation 2496593 (VCV002496593.4), dbSNP rs146741961, ClinGen allele CA2650711.
Genomic context (GRCh38, chr3:142,562,524, plus strand): 5'-ATATTTCTATAAGCTTCTGCTTCAAAGGGAAATAGTGTCTTTATCAGCTTTGATAATGGC[T>C]CTTCATAGAGTTTCAATTGGTCAGTATCCATTTCTACAAGGTGTTTTAATAATTCCAAAA-3'
Protein context (NP_001175.2, residues 283-303): MDTDQLKLYE[Glu293Gly]PLSKLIKTLF

ClinVar aggregate classification (germline): Uncertain significance. Review status: criteria provided, multiple submitters, no conflicts (2 of 4 stars). 2 submissions from 2 submitters: Uncertain significance (2). Last evaluated 2024-07-31.

Conditions:
Inborn genetic diseases. Identifiers: MedGen C0950123, MeSH D030342.

Allele frequency attached by ClinVar (database versions not stated): gnomAD 0.00001; gnomAD exomes 0.00001; ExAC 0.00002; TOPMed 0.00002; ESP Exome Variant Server 0.00008.
gnomAD v4.1: 11 of 1,613,684 alleles (0.00068%); highest among the groups gnomAD compares: Admixed American, 0.0017%; no homozygotes.

Submissions (2):

Labcorp Genetics (formerly Invitae), Labcorp
Classification: Uncertain significance. Last evaluated: 2024-07-31. Review status: criteria provided, single submitter. Criteria: Invitae Variant Classification Sherloc (09022015). Collection method: clinical testing. Allele origin: germline.
Comment: This sequence change replaces glutamic acid, which is acidic and polar, with glycine, which is neutral and non-polar, at codon 293 of the ATR protein (p.Glu293Gly). This variant is present in population databases (rs146741961, gnomAD 0.004%). This variant has not been reported in the literature in individuals affected with ATR-related conditions. ClinVar contains an entry for this variant (Variation ID: 2496593). An algorithm developed to predict the effect of missense changes on protein structure and function (PolyPhen-2) suggests that this variant is likely to be tolerated. In summary, the available evidence is currently insufficient to determine the role of this variant in disease. Therefore, it has been classified as a Variant of Uncertain Significance.

Ambry Genetics
Classification: Uncertain significance for Inborn genetic diseases. Last evaluated: 2023-02-06. Review status: criteria provided, single submitter. Criteria: Ambry Variant Classification Scheme 2023. Collection method: clinical testing. Allele origin: germline.
Comment: The p.E293G variant (also known as c.878A>G), located in coding exon 4 of the ATR gene, results from an A to G substitution at nucleotide position 878. The glutamic acid at codon 293 is replaced by glycine, an amino acid with similar properties. This amino acid position is conserved. In addition, this alteration is predicted to be tolerated by in silico analysis. Since supporting evidence is limited at this time, the clinical significance of this alteration remains unclear.